The following is an entry in ClinVar:

ClinVar aggregate classification (germline): Uncertain significance (1 of 4 stars; one submission).

Submission:

Women's Health and Genetics/Laboratory Corporation of America, LabCorp
Classification: Uncertain significance. Last evaluated: 2022-05-19. Review status: criteria provided, single submitter. Criteria: LabCorp Variant Classification Summary - May 2015. Collection method: clinical testing. Allele origin: germline.
Comment: Variant summary: AGPS c.1697+2T>C is located in a canonical splice-site and is predicted to affect mRNA splicing resulting in a significantly altered protein due to either exon skipping, shortening, or inclusion of intronic material. Several computational tools predict a significant impact on normal splicing: Three predict the variant abolishes a 5' splicing donor site. However, these predictions have yet to be confirmed by functional studies and current evidence has not establishished whether loss-of-function variants in this gene cause disease. Additionally, no splice-site variants have been reported in AGPS in HGMD, and those reported in ClinVar have been classified as VUS. The variant was absent in 250690 control chromosomes. To our knowledge, no occurrence of c.1697+2T>C in individuals affected with Rhizomelic Chondrodysplasia Punctata and no experimental evidence demonstrating its impact on protein function have been reported. No clinical diagnostic laboratories have submitted clinical-significance assessments for this variant to ClinVar after 2014. Based on the evidence outlined above, the variant was classified as VUS.

NM_003659.4(AGPS):c.1697+2T>C

Gene: AGPS (alkylglycerone phosphate synthase; plus strand). Cytogenetic location: 2q31.2.
Variant type: single nucleotide variant.
Coding change: c.1697+2T>C on transcript NM_003659.4 (MANE Select); the canonical splice donor site of the intron after coding-DNA position 1697, T replaced by C.
Molecular consequence: splice donor variant.
Genome position (GRCh38, 1-based): chr2:177,513,910, T>C. VCF-style: chr2-177513910-T-C. GRCh37 (hg19) VCF-style: chr2-178378638-T-C.
Identifiers: ClinVar variation 1696230 (VCV001696230.1), dbSNP rs2105726638, ClinGen allele CA349372244.